The following is an entry in ClinVar:

NM_001033855.3(DCLRE1C):c.1834G>A (p.Val612Met)

Gene: DCLRE1C (DNA cross-link repair 1C; minus strand). Cytogenetic location: 10p13.
Variant type: single nucleotide variant.
Coding change: c.1834G>A on transcript NM_001033855.3 (MANE Select); coding-DNA position 1834, G replaced by A.
Protein change: p.Val612Met; replaces valine 612 with methionine.
Molecular consequence: missense variant. On other transcripts: non-coding transcript variant (3), intron variant (3).
Genome position (GRCh38, 1-based): chr10:14,908,653, C>T on the plus strand (G>A on the coding strand, the complement: DCLRE1C is on the minus strand). VCF-style: chr10-14908653-C-T. GRCh37 (hg19) VCF-style: chr10-14950652-C-T.
Other names: c.1474G>A, p.Val492Met (NM_001033857.3, NM_001033858.3, NM_001289077.2 and 1 more transcripts); c.1489G>A, p.Val497Met (NM_001289076.2, NM_001289078.2, NM_022487.4); c.1437+52G>A (NM_001350966.2); c.1782+52G>A (NM_001350965.2); c.1422+52G>A (NM_001350967.2); c.1834G>A (NM_001033855.1); short protein forms V497M, V492M, V612M.
Identifiers: ClinVar variation 659524 (VCV000659524.8), dbSNP rs751811224, ClinGen allele CA5416393.

ClinVar aggregate classification (germline): Uncertain significance. Review status: criteria provided, multiple submitters, no conflicts (2 of 4 stars). 3 submissions from 3 submitters: Uncertain significance (3). Last evaluated 2025-07-02.

Conditions:
Severe combined immunodeficiency due to DCLRE1C deficiency (RS-SCID). Also called: SCID, AUTOSOMAL RECESSIVE, T CELL-NEGATIVE, B CELL-NEGATIVE, NK CELL-POSITIVE, WITH SENSITIVITY TO IONIZING RADIATION. Identifiers: Orphanet 275, MedGen C1865371, MONDO:0011225, OMIM 602450.
Inborn genetic diseases. Identifiers: MedGen C0950123, MeSH D030342.

Allele frequency attached by ClinVar (database versions not stated): ExAC 0.00001; gnomAD exomes 0.00002; TOPMed 0.00002.
gnomAD v4.1: 6 of 1,614,200 alleles (0.00037%); highest among the groups gnomAD compares: Admixed American, 0.01%; no homozygotes.

Submissions (3):

Ambry Genetics
Classification: Uncertain significance for Inborn genetic diseases. Last evaluated: 2025-07-02. Review status: criteria provided, single submitter. Criteria: Ambry Variant Classification Scheme 2023. Collection method: clinical testing. Allele origin: germline.

Labcorp Genetics (formerly Invitae), Labcorp
Classification: Uncertain significance for Athabaskan severe combined immunodeficiency. Last evaluated: 2024-12-02. Review status: criteria provided, single submitter. Criteria: Invitae Variant Classification Sherloc (09022015). Collection method: clinical testing. Allele origin: germline.
Comment: This sequence change replaces valine, which is neutral and non-polar, with methionine, which is neutral and non-polar, at codon 612 of the DCLRE1C protein (p.Val612Met). This variant is present in population databases (rs751811224, gnomAD 0.01%). This variant has not been reported in the literature in individuals affected with DCLRE1C-related conditions. ClinVar contains an entry for this variant (Variation ID: 659524). An algorithm developed to predict the effect of missense changes on protein structure and function (PolyPhen-2) suggests that this variant is likely to be tolerated. In summary, the available evidence is currently insufficient to determine the role of this variant in disease. Therefore, it has been classified as a Variant of Uncertain Significance.

GeneDx
Classification: Uncertain significance. Last evaluated: 2024-09-01. Review status: criteria provided, single submitter. Criteria: GeneDx Variant Classification Process June 2021. Collection method: clinical testing. Allele origin: germline. Affected: yes.
Comment: In silico analysis indicates that this missense variant does not alter protein structure/function; Has not been previously published as pathogenic or benign to our knowledge